The following is an entry in ClinVar:

ClinVar aggregate classification (germline): Uncertain significance. Review status: criteria provided, multiple submitters, no conflicts (2 of 4 stars). 2 submissions from 2 submitters: Uncertain significance (2). Last evaluated 2026-05-26.

gnomAD v4.1: 1 of 1,612,416 alleles (0.000062%); highest among the groups gnomAD compares: Non-Finnish European, 0.000085%; no homozygotes.

Submissions (2):

Women's Health and Genetics/Laboratory Corporation of America, LabCorp
Classification: Uncertain significance. Last evaluated: 2026-05-26. Review status: criteria provided, single submitter. Criteria: LabCorp Variant Classification Summary - May 2015. Collection method: clinical testing. Allele origin: germline.
Comment: Variant summary: DSP c.8560G>C (p.Gly2854Arg) results in a non-conservative amino acid change in the encoded protein sequence. Algorithms developed to predict the effect of missense changes on protein structure and function are either unavailable or do not agree on the potential impact of this missense change. The variant allele was found at a frequency of 4e-06 in 248880 control chromosomes. The available data on variant occurrences in the general population are insufficient to allow any conclusion about variant significance. To our knowledge, no occurrence of c.8560G>C in individuals affected with DSP-related conditions and no experimental evidence demonstrating its impact on protein function have been reported. No submitters have cited clinical-significance assessments for this variant to ClinVar. Based on the evidence outlined above, the variant was classified as uncertain significance.

GeneDx
Classification: Uncertain significance. Last evaluated: 2026-01-31. Review status: criteria provided, single submitter. Criteria: GeneDx Variant Classification Process June 2021. Collection method: clinical testing. Allele origin: germline.
Comment: Not observed at significant frequency in large population cohorts (gnomAD); In silico analysis supports that this missense variant has a deleterious effect on protein structure/function; Has not been previously published as pathogenic or benign to our knowledge

NM_004415.4(DSP):c.8560G>C (p.Gly2854Arg)

Gene: DSP (desmoplakin; plus strand). Cytogenetic location: 6p24.3.
Variant type: single nucleotide variant.
Coding change: c.8560G>C on transcript NM_004415.4 (MANE Select); coding-DNA position 8560, G replaced by C.
Protein change: p.Gly2854Arg; replaces glycine 2854 with arginine.
Molecular consequence: missense variant.
Genome position (GRCh38, 1-based): chr6:7,585,822, G>C. VCF-style: chr6-7585822-G-C. GRCh37 (hg19) VCF-style: chr6-7586055-G-C.
Other names: c.6763G>C, p.Gly2255Arg (NM_001008844.3); c.7231G>C, p.Gly2411Arg (NM_001319034.2); short protein forms G2255R, G2411R, G2854R.
Identifiers: ClinVar variation 4853676 (VCV004853676.2).